The following is an entry in ClinVar:

NM_001243133.2(NLRP3):c.446T>C (p.Ile149Thr)

Gene: NLRP3 (NLR family pyrin domain containing 3; plus strand). Cytogenetic location: 1q44.
Variant type: single nucleotide variant.
Coding change: c.446T>C on transcript NM_001243133.2 (MANE Select); coding-DNA position 446, T replaced by C.
Protein change: p.Ile149Thr; replaces isoleucine 149 with threonine.
Molecular consequence: missense variant.
Genome position (GRCh38, 1-based): chr1:247,423,895, T>C. VCF-style: chr1-247423895-T-C. GRCh37 (hg19) VCF-style: chr1-247587197-T-C.
Other names: c.446T>C, p.Ile149Thr (NM_001079821.3, NM_001127461.3, NM_001127462.3 and 1 more transcripts); c.452T>C, p.Ile151Thr (NM_004895.5); short protein forms I149T, I151T.
Identifiers: ClinVar variation 936768 (VCV000936768.11), dbSNP rs201768649, ClinGen allele CA1494875.

ClinVar aggregate classification (germline): Uncertain significance. Review status: criteria provided, multiple submitters, no conflicts (2 of 4 stars). 3 submissions from 3 submitters: Uncertain significance (3). Last evaluated 2025-09-11.

Conditions:
Cryopyrin associated periodic syndrome (CAPS). Identifiers: Orphanet 208650, MedGen C2316212, MONDO:0016168.

Allele frequency attached by ClinVar (database versions not stated): gnomAD 0.00001; gnomAD exomes 0.00001; TOPMed 0.00001; ExAC 0.00002.
gnomAD v4.1: 16 of 1,613,922 alleles (0.00099%); highest among the groups gnomAD compares: African/African-American, 0.008%; no homozygotes.

Submissions (3):

Women's Health and Genetics/Laboratory Corporation of America, LabCorp
Classification: Uncertain significance. Last evaluated: 2025-09-11. Review status: criteria provided, single submitter. Criteria: LabCorp Variant Classification Summary - May 2015. Collection method: clinical testing. Allele origin: germline.
Comment: Variant summary: NLRP3 c.452T>C (p.Ile151Thr) results in a non-conservative amino acid change in the encoded protein sequence. Algorithms developed to predict the effect of missense changes on protein structure and function are either unavailable or do not agree on the potential impact of this missense change. The variant allele was found at a frequency of 8e-06 in 251352 control chromosomes. The available data on variant occurrences in the general population are insufficient to allow any conclusion about variant significance. To our knowledge, no occurrence of c.452T>C in individuals affected with NLRP3-related conditions and no experimental evidence demonstrating its impact on protein function have been reported. ClinVar contains an entry for this variant (Variation ID: 936768). Based on the evidence outlined above, the variant was classified as uncertain significance.

Labcorp Genetics (formerly Invitae), Labcorp
Classification: Uncertain significance for Cryopyrin associated periodic syndrome. Last evaluated: 2025-01-06. Review status: criteria provided, single submitter. Criteria: Invitae Variant Classification Sherloc (09022015). Collection method: clinical testing. Allele origin: germline.
Comment: This sequence change replaces isoleucine, which is neutral and non-polar, with threonine, which is neutral and polar, at codon 151 of the NLRP3 protein (p.Ile151Thr). This variant is present in population databases (rs201768649, gnomAD 0.007%). This variant has not been reported in the literature in individuals affected with NLRP3-related conditions. ClinVar contains an entry for this variant (Variation ID: 936768). Invitae Evidence Modeling of protein sequence and biophysical properties (such as structural, functional, and spatial information, amino acid conservation, physicochemical variation, residue mobility, and thermodynamic stability) has been performed for this missense variant. However, the output from this modeling did not meet the statistical confidence thresholds required to predict the impact of this variant on NLRP3 protein function. In summary, the available evidence is currently insufficient to determine the role of this variant in disease. Therefore, it has been classified as a Variant of Uncertain Significance.

GeneDx
Classification: Uncertain significance. Last evaluated: 2024-12-18. Review status: criteria provided, single submitter. Criteria: GeneDx Variant Classification Process June 2021. Collection method: clinical testing. Allele origin: germline. Affected: yes.
Comment: Not observed at significant frequency in large population cohorts (gnomAD); In silico analysis indicates that this missense variant does not alter protein structure/function; Has not been previously published as pathogenic or benign to our knowledge